The following is an entry in ClinVar:

NC_012920.1(MT-CO1):m.6249G>A

Gene: MT-CO1 (mitochondrially encoded cytochrome c oxidase I; plus strand).
Variant type: single nucleotide variant.
Genome position: chrM-6249-G-A.
Identifiers: ClinVar variation 692629 (VCV000692629.1), dbSNP rs1556423095, ClinGen allele CA414782736.
Genomic context (GRCh38, chrMT:6,249, plus strand): 5'-CGCATAAACAACATAAGCTTCTGACTCTTACCTCCCTCTCTCCTACTCCTGCTCGCATCT[G>A]CTATAGTGGAGGCCGGAGCAGGAACAGGTTGAACAGTCTACCCTCCCTTAGCAGGGAACT-3'

ClinVar aggregate classification (germline): Benign (1 of 4 stars; one submission).

Conditions:
Leigh syndrome (NULS). Also called: Leigh's necrotizing encephalopathy; Leigh's disease; Leigh Syndrome (mtDNA deletion); Leigh Disease; Subacute necrotizing encephalopathy; Necrotizing encephalopathy infantile subacute of Leigh. Identifiers: Orphanet 506, MedGen C2931891, MONDO:0009723, OMIM 256000.

Submission:

Wong Mito Lab, Molecular and Human Genetics, Baylor College of Medicine
Classification: Benign for Leigh syndrome. Last evaluated: 2019-10-17. Review status: criteria provided, single submitter. Criteria: Modified ACMG Guidelines (Unpublished). Collection method: clinical testing. Allele origin: germline.
Comment: The NC_012920.1:m.6249G>A (YP_003024028.1:p.Ala116Thr) variant in MTCO1 gene is interpretated to be a Benign variant based on the modified ACMG guidelines (unpublished). This variant meets the following evidence codes: BS1, BS2, BP4